The following is an entry in ClinVar:

NM_001272013.2(ITPRIP):c.1524G>A (p.Leu508=)

Gene: ITPRIP (inositol 1,4,5-trisphosphate receptor interacting protein; minus strand). Cytogenetic location: 10q25.1.
Variant type: single nucleotide variant.
Coding change: c.1524G>A on transcript NM_001272013.2 (MANE Select); coding-DNA position 1524, G replaced by A.
Protein change: p.Leu508=; no amino-acid change (leucine 508 retained).
Molecular consequence: synonymous variant.
Genome position (GRCh38, 1-based): chr10:104,314,528, C>T on the plus strand (G>A on the coding strand, the complement: ITPRIP is on the minus strand). VCF-style: chr10-104314528-C-T. GRCh37 (hg19) VCF-style: chr10-106074286-C-T.
Other names: c.1524G>A, p.Leu508= (NM_001272012.2, NM_033397.4).
Identifiers: ClinVar variation 2640814 (VCV002640814.24), dbSNP rs912999988, ClinGen allele CA471503962.

ClinVar aggregate classification (germline): Likely benign (1 of 4 stars; one submission).

Allele frequency attached by ClinVar (database versions not stated): gnomAD exomes below 0.00001.
gnomAD v4.1: 1 of 1,614,218 alleles (0.000062%); highest among the groups gnomAD compares: Non-Finnish European, 0.000085%; no homozygotes.

Submission:

CeGaT Center for Human Genetics Tuebingen
Classification: Likely benign. Last evaluated: 2023-03-01. Review status: criteria provided, single submitter. Criteria: CeGaT Center For Human Genetics Tuebingen Variant Classification Criteria Version 2. Collection method: clinical testing. Allele origin: germline. Affected: yes. Observed: 1 variant allele.
Comment: ITPRIP: PM2:Supporting, BP4, BP7